The following is an entry in ClinVar:

ClinVar aggregate classification (germline): Uncertain significance (1 of 4 stars; one submission).

Allele frequency attached by ClinVar (database versions not stated): gnomAD exomes below 0.00001; ExAC 0.00001.
gnomAD v4.1: 1 of 1,443,770 alleles (0.000069%); highest among the groups gnomAD compares: South Asian, 0.0011%; no homozygotes.

Submission:

Labcorp Genetics (formerly Invitae), Labcorp
Classification: Uncertain significance. Last evaluated: 2023-09-26. Review status: criteria provided, single submitter. Criteria: Invitae Variant Classification Sherloc (09022015). Collection method: clinical testing. Allele origin: germline.
Comment: In summary, the available evidence is currently insufficient to determine the role of this variant in disease. Therefore, it has been classified as a Variant of Uncertain Significance. An algorithm developed to predict the effect of missense changes on protein structure and function (PolyPhen-2) suggests that this variant is likely to be disruptive. This variant has not been reported in the literature in individuals affected with IL12RB2-related conditions. This variant is present in population databases (rs779538669, gnomAD 0.003%). This sequence change replaces proline, which is neutral and non-polar, with leucine, which is neutral and non-polar, at codon 321 of the IL12RB2 protein (p.Pro321Leu).

NM_001374259.2(IL12RB2):c.962C>T (p.Pro321Leu)

Gene: IL12RB2 (interleukin 12 receptor subunit beta 2; plus strand). Cytogenetic location: 1p31.3.
Variant type: single nucleotide variant.
Coding change: c.962C>T on transcript NM_001374259.2 (MANE Select); coding-DNA position 962, C replaced by T.
Protein change: p.Pro321Leu; replaces proline 321 with leucine.
Molecular consequence: missense variant. On other transcripts: non-coding transcript variant (2).
Genome position (GRCh38, 1-based): chr1:67,338,627, C>T. VCF-style: chr1-67338627-C-T. GRCh37 (hg19) VCF-style: chr1-67804310-C-T.
Other names: c.962C>T, p.Pro321Leu (NM_001258214.1, NM_001258215.1, NM_001258216.1 and 2 more transcripts); short protein forms P321L.
Identifiers: ClinVar variation 2854744 (VCV002854744.3), dbSNP rs779538669, ClinGen allele CA900351.